The following is an entry in ClinVar:

ClinVar aggregate classification (germline): Benign/Likely benign. Review status: criteria provided, multiple submitters, no conflicts (2 of 4 stars). 8 submissions from 8 submitters: Benign (6); Likely benign (2). Last evaluated 2026-02-01.

Allele frequency attached by ClinVar (database versions not stated): gnomAD exomes 0.00034 and 0.00085; ExAC 0.00259; 1000 Genomes Project 0.00260; 1000 Genomes Project 30x 0.00281; ESP Exome Variant Server 0.00371; gnomAD 0.00379 and 0.00404; TOPMed 0.00433.
gnomAD v4.1: 1,057 of 1,557,886 alleles (0.068%); highest among the groups gnomAD compares: African/African-American, 1.3%; 11 homozygotes.

Submissions (9):

Labcorp Genetics (formerly Invitae), Labcorp
Classification: Benign. Last evaluated: 2026-02-01. Review status: criteria provided, single submitter. Criteria: Invitae Variant Classification Sherloc (09022015). Collection method: clinical testing. Allele origin: germline.

CeGaT Center for Human Genetics Tuebingen
Classification: Likely benign. Last evaluated: 2025-06-01. Review status: criteria provided, single submitter. Criteria: CeGaT Center For Human Genetics Tuebingen Variant Classification Criteria Version 2. Collection method: clinical testing. Allele origin: germline. Affected: yes. Observed: 2 variant alleles.
Comment: MYH14: BP4, BP7, BS1

Blueprint Genetics
Classification: Likely benign. Last evaluated: 2024-11-25. Review status: criteria provided, single submitter. Criteria: ACMG Guidelines, 2015. Collection method: clinical testing. Allele origin: germline.

Athena Diagnostics
Classification: Benign. Last evaluated: 2018-05-25. Review status: criteria provided, single submitter. Criteria: Athena Diagnostics Criteria. Collection method: clinical testing. Allele origin: germline.

GeneDx
Classification: Benign. Last evaluated: 2018-05-03. Review status: criteria provided, single submitter. Criteria: GeneDx Variant Classification (06012015). Collection method: clinical testing. Allele origin: germline. Affected: yes.
Comment: This variant is considered likely benign or benign based on one or more of the following criteria: it is a conservative change, it occurs at a poorly conserved position in the protein, it is predicted to be benign by multiple in silico algorithms, and/or has population frequency not consistent with disease.

Eurofins Ntd Llc (ga)
Classification: Benign. Last evaluated: 2016-04-08. Review status: criteria provided, single submitter. Criteria: EGL Classification Definitions 2015. Collection method: clinical testing. Allele origin: germline. Observed: 1 variant allele, 1 heterozygote.

Laboratory for Molecular Medicine, Mass General Brigham Personalized Medicine
Classification: Benign. Last evaluated: 2012-04-30. Review status: criteria provided, single submitter. Criteria: LMM Criteria. Collection method: clinical testing. Allele origin: germline. Observed: 5 variant alleles.
Comment: Lys921Lys in Exon 23 of MYH14: This variant is not expected to have clinical sig nificance because it does not alter an amino acid residue, is not located within the splice consensus sequence, and has been identified in 1.2% (42/3574) of Afr ican American chromosomes from a broad population by the NHLBI Exome Sequencing Project.

Breakthrough Genomics
Classification: Benign. Review status: criteria provided, single submitter. Criteria: ACMG Guidelines, 2015. Collection method: not provided. Allele origin: germline. Inheritance: Autosomal dominant inheritance. Affected: yes.

Dr. Peter K. Rogan Lab, Western University
No classification provided (evidence only). Condition: Ovarian serous cystadenocarcinoma. Review status: no classification provided. Collection method: in vitro. Allele origin: not applicable. Functional consequence: retained intron. Not counted in ClinVar's aggregate classification.

NM_001145809.2(MYH14):c.2763A>G (p.Lys921=)

Gene: MYH14 (myosin heavy chain 14; plus strand). Cytogenetic location: 19q13.33.
Variant type: single nucleotide variant.
Coding change: c.2763A>G on transcript NM_001145809.2 (MANE Select); coding-DNA position 2763, A replaced by G.
Protein change: p.Lys921=; no amino-acid change (lysine 921 retained).
Molecular consequence: synonymous variant.
Genome position (GRCh38, 1-based): chr19:50,266,945, A>G. VCF-style: chr19-50266945-A-G. GRCh37 (hg19) VCF-style: chr19-50770202-A-G.
Other names: c.2664A>G, p.Lys888= (NM_001077186.2); c.2640A>G, p.Lys880= (NM_024729.4).
Identifiers: ClinVar variation 178417 (VCV000178417.35), dbSNP rs191788683, ClinGen allele CA182285.
Genomic context (GRCh38, chr19:50,266,945, plus strand): 5'-ACTGCTGCAGGTGACGCGGCAGGATGAGGTGCTGCAGGCACGGGCCCAGGAGCTGCAGAA[A>G]GTGCAGGAGCTACAGCAGCAGAGCGCCCGCGAAGTTGGGGAGCTCCAGGGCCGAGTGGCA-3'
Protein context (NP_001139281.1, residues 911-931): VLQARAQELQ[Lys921=]VQELQQQSAR